The following is an entry in ClinVar:

ClinVar aggregate classification (germline): Uncertain significance. Review status: criteria provided, multiple submitters, no conflicts (2 of 4 stars). 3 submissions from 3 submitters: Uncertain significance (3). Last evaluated 2024-11-24.

Conditions:
Hereditary cancer-predisposing syndrome. Also called: Hereditary Cancer Syndrome; Tumor predisposition; Neoplastic Syndromes, Hereditary; Hereditary neoplastic syndrome. Identifiers: Orphanet 140162, MedGen C0027672, MeSH D009386, MONDO:0015356.
Hereditary pheochromocytoma and paraganglioma. Also called: Hereditary pheochromocytoma-paraganglioma; Hereditary paragangliomas and pheochromocytomas; Hereditary Paraganglioma-Pheochromocytoma Syndromes. Identifiers: Orphanet 29072, MedGen C4274332, MONDO:0017366.
Pheochromocytoma. Also called: MAX-Related Hereditary Paraganglioma-Pheochromocytoma Syndrome. Identifiers: Orphanet 29072, MedGen C0031511, MONDO:0008233, OMIM 171300, HP:0002666.

Allele frequency attached by ClinVar (database versions not stated): gnomAD 0.00001.
gnomAD v4.1: 8 of 1,613,934 alleles (0.0005%); highest among the groups gnomAD compares: South Asian, 0.0033%; no homozygotes.

Submissions (3):

Labcorp Genetics (formerly Invitae), Labcorp
Classification: Uncertain significance for Hereditary pheochromocytoma and paraganglioma. Last evaluated: 2024-11-24. Review status: criteria provided, single submitter. Criteria: Invitae Variant Classification Sherloc (09022015). Collection method: clinical testing. Allele origin: germline.
Comment: This sequence change replaces arginine, which is basic and polar, with histidine, which is basic and polar, at codon 128 of the TMEM127 protein (p.Arg128His). This variant is present in population databases (rs779277417, gnomAD 0.006%). This variant has not been reported in the literature in individuals affected with TMEM127-related conditions. ClinVar contains an entry for this variant (Variation ID: 863653). An algorithm developed to predict the effect of missense changes on protein structure and function (PolyPhen-2) suggests that this variant is likely to be disruptive. In summary, the available evidence is currently insufficient to determine the role of this variant in disease. Therefore, it has been classified as a Variant of Uncertain Significance.

Baylor Genetics
Classification: Uncertain significance for Pheochromocytoma. Last evaluated: 2023-05-05. Review status: criteria provided, single submitter. Criteria: ACMG Guidelines, 2015. Collection method: clinical testing. Allele origin: unknown.

Ambry Genetics
Classification: Uncertain significance for Hereditary cancer-predisposing syndrome. Last evaluated: 2022-09-21. Review status: criteria provided, single submitter. Criteria: Ambry Variant Classification Scheme 2023. Collection method: clinical testing. Allele origin: germline.
Comment: The p.R128H variant (also known as c.383G>A), located in coding exon 2 of the TMEM127 gene, results from a G to A substitution at nucleotide position 383. The arginine at codon 128 is replaced by histidine, an amino acid with highly similar properties. This amino acid position is conserved. In addition, this alteration is predicted to be deleterious by in silico analysis. Since supporting evidence is limited at this time, the clinical significance of this alteration remains unclear.

NM_017849.4(TMEM127):c.383G>A (p.Arg128His)

Gene: TMEM127 (transmembrane protein 127; minus strand). Cytogenetic location: 2q11.2.
Variant type: single nucleotide variant.
Coding change: c.383G>A on transcript NM_017849.4 (MANE Select); coding-DNA position 383, G replaced by A.
Protein change: p.Arg128His; replaces arginine 128 with histidine.
Molecular consequence: missense variant.
Genome position (GRCh38, 1-based): chr2:96,254,859, C>T on the plus strand (G>A on the coding strand, the complement: TMEM127 is on the minus strand). VCF-style: chr2-96254859-C-T. GRCh37 (hg19) VCF-style: chr2-96920597-C-T.
Other names: c.383G>A, p.Arg128His (NM_001193304.3); short protein forms R128H.
Identifiers: ClinVar variation 863653 (VCV000863653.13), dbSNP rs779277417, ClinGen allele CA1777339.